The following is an entry in ClinVar:

ClinVar aggregate classification (germline): Pathogenic. Review status: reviewed by expert panel (3 of 4 stars). 2 submissions from 2 submitters: Pathogenic (1). 1 of the submissions does not count toward it. Last evaluated 2017-12-15.

Conditions:
Familial cancer of breast. Also called: hereditary breast carcinoma; BREAST CANCER, FAMILIAL; Hereditary breast cancer. Identifiers: Orphanet 227535, MedGen C0346153, MONDO:0016419, OMIM 114480. Disease mechanism: loss of function.
Breast-ovarian cancer, familial, susceptibility to, 1 (BROVCA1). Also called: BRCA1 Hereditary Breast and Ovarian Cancer; OVARIAN CANCER, SUSCEPTIBILITY TO. Identifiers: Orphanet 145, MedGen C2676676, MONDO:0011450, OMIM 604370. Disease mechanism: loss of function.

Submissions (2):

Evidence-based Network for the Interpretation of Germline Mutant Alleles (ENIGMA)
Classification: Pathogenic for Breast-ovarian cancer, familial, susceptibility to, 1. Last evaluated: 2017-12-15. Review status: reviewed by expert panel. Criteria: ENIGMA BRCA1/2 Classification Criteria (2017-06-29). Collection method: curation. Allele origin: germline. Study: ENIGMA.
Comment: Variant allele predicted to encode a truncated non-functional protein.

ClinVar Staff, National Center for Biotechnology Information (NCBI)
No classification provided. Condition: Familial cancer of breast. Review status: no classification provided. Collection method: literature only. Allele origin: germline. Affected: yes. Not counted in ClinVar's aggregate classification.

Literature cited by the submitters: PubMed 22798144 (cited by ClinVar Staff, National Center for Biotechnology Information (NCBI)).

NM_007294.4(BRCA1):c.5323_5324del (p.Met1775fs)

Gene: BRCA1 (BRCA1 DNA repair associated; minus strand). Cytogenetic location: 17q21.31.
Variant type: Deletion.
Coding change: c.5323_5324del on transcript NM_007294.4 (MANE Select); coding-DNA positions 5323 to 5324, 2 bases deleted (AT; older notation c.5323_5324delAT).
Protein change: p.Met1775fs; shifts the reading frame from methionine 1775.
Molecular consequence: frameshift variant. On other transcripts: non-coding transcript variant (1).
Genome position (GRCh38, 1-based): chr17:43,051,071-43,051,072, AT deleted on the plus strand (AT on the coding strand, the reverse complement: BRCA1 is on the minus strand). VCF-style (leftmost placement, unchanged base first): chr17-43051070-CAT-C. GRCh37 (hg19) VCF-style: chr17-41203087-CAT-C.
Other names: c.5110_5111delAT, p.Met1704Alafs (NM_001407571.1, NM_001407894.1, NM_001407895.1 and 12 more transcripts); c.5389_5390delAT, p.Met1797Alafs (NM_001407581.1, NM_001407582.1); c.5386_5387delAT, p.Met1796Alafs (NM_001407583.1, NM_001407585.1, NM_001407587.1); c.5383_5384delAT, p.Met1795Alafs (NM_001407590.1, NM_001407591.1); c.5323_5324delAT, p.Met1775Alafs (NM_001407593.1, NM_001407594.1, NM_001407596.1 and 6 more transcripts); c.1804_1805delAT, p.Met602Alafs (NM_001408480.1, NM_001408478.1, NM_001408479.1); c.1801_1802delAT, p.Met601Alafs (NM_001408481.1, NM_001408482.1, NM_001408483.1 and 5 more transcripts); c.1798_1799delAT, p.Met600Alafs (NM_001408492.1, NM_001408493.1); and 75 more; short protein forms M1796fs, M671fs, M1775fs, M1728fs.
Identifiers: ClinVar variation 55525 (VCV000055525.3), dbSNP rs397509262, ClinGen allele CA003475.